The following is an entry in ClinVar:

ClinVar aggregate classification (germline): Likely pathogenic (1 of 4 stars; one submission).

Submission:

Dasa
Classification: Likely pathogenic. Last evaluated: 2025-06-19. Review status: criteria provided, single submitter. Criteria: DASA Assertion Criteria. Collection method: clinical testing. Allele origin: germline.
Comment: NM_133379.5(TTN):c.16238delinsTAAGTTAAGTTAA (p.Trp5413delinsLeuSer*) is a nonsense variant in TTN predicted to introduce a premature termination codon and is predicted to result in an absent or altered protein product. Loss of function is an established disease mechanism for TTN-associated disorders. Also, this variant is absent from population databases. Based on the currently available evidence, this variant is classified as likely pathogenic.

NM_001267550.2(TTN):c.11312-4241delinsTAAGTTAAGTTAA

Gene: TTN (titin; minus strand). Cytogenetic location: 2q31.2.
Variant type: Indel.
Coding change: c.11312-4241delinsTAAGTTAAGTTAA on transcript NM_001267550.2 (MANE Select); 4241 bases into the intron before coding-DNA position 11312, G replaced by TAAGTTAAGTTAA.
Molecular consequence: intron variant. On other transcripts: nonsense (1).
Genome position (GRCh38, 1-based): chr2:178,746,162, C replaced by TTAACTTAACTTA on the plus strand (G replaced by TAAGTTAAGTTAA on the coding strand, the reverse complement: TTN is on the minus strand). VCF-style: chr2-178746162-C-TTAACTTAACTTA. GRCh37 (hg19) VCF-style: chr2-179610889-C-TTAACTTAACTTA.
Other names: c.16238delinsTAAGTTAAGTTAA, p.Trp5413delinsLeuSerTer (NM_133379.5); c.10223-4241delinsTAAGTTAAGTTAA (NM_003319.4); c.10799-4241delinsTAAGTTAAGTTAA (NM_133437.4); c.10598-4241delinsTAAGTTAAGTTAA (NM_133432.3); c.10360+6962delinsTAAGTTAAGTTAA (NM_133378.4); c.10361-4241delinsTAAGTTAAGTTAA (NM_001256850.1).
Identifiers: ClinVar variation 4880796 (VCV004880796.2).